The following is an entry in ClinVar:

NM_015627.3(LDLRAP1):c.604del (p.Ser202fs)

Gene: LDLRAP1 (low density lipoprotein receptor adaptor protein 1; plus strand). Cytogenetic location: 1p36.11.
Variant type: Deletion.
Coding change: c.604del on transcript NM_015627.3 (MANE Select); coding-DNA position 604, one base deleted (T; older notation c.604delT).
Protein change: p.Ser202fs; shifts the reading frame from serine 202.
Molecular consequence: frameshift variant.
Genome position (GRCh38, 1-based): chr1:25,563,141, T deleted. VCF-style (leftmost placement, unchanged base first): chr1-25563140-CT-C. GRCh37 (hg19) VCF-style: chr1-25889631-CT-C.
Other names: short protein forms S202fs.
Identifiers: ClinVar variation 1399626 (VCV001399626.9), dbSNP rs2044386296, ClinGen allele CA416742599.

ClinVar aggregate classification (germline): Pathogenic (1 of 4 stars; one submission).

Conditions:
Hypercholesterolemia, familial, 4 (FHCL4). Also called: HYPERCHOLESTEROLEMIA, AUTOSOMAL RECESSIVE, 1; HYPERCHOLESTEROLEMIA, AUTOSOMAL RECESSIVE, 2. Identifiers: Orphanet 391665, MedGen C1863512, MONDO:0011374, OMIM 603813.

Allele frequency attached by ClinVar (database versions not stated): TOPMed below 0.00001; gnomAD 0.00001; gnomAD exomes 0.00002.

Submission:

Labcorp Genetics (formerly Invitae), Labcorp
Classification: Pathogenic for Hypercholesterolemia, familial, 4. Last evaluated: 2023-12-20. Review status: criteria provided, single submitter. Criteria: Invitae Variant Classification Sherloc (09022015). Collection method: clinical testing. Allele origin: germline.
Comment: This sequence change creates a premature translational stop signal (p.Ser202Profs*2) in the LDLRAP1 gene. It is expected to result in an absent or disrupted protein product. Loss-of-function variants in LDLRAP1 are known to be pathogenic (PMID: 11326085, 12464675). This variant is not present in population databases (gnomAD no frequency). This variant has not been reported in the literature in individuals affected with LDLRAP1-related conditions. ClinVar contains an entry for this variant (Variation ID: 1399626). For these reasons, this variant has been classified as Pathogenic.

Literature cited by the submitters: PubMed 11326085; PubMed 12464675.